The following is an entry in ClinVar:

NM_000038.6(APC):c.7491G>C (p.Ser2497=)

Gene: APC (APC regulator of Wnt signaling pathway; plus strand). Cytogenetic location: 5q22.2.
Variant type: single nucleotide variant.
Coding change: c.7491G>C on transcript NM_000038.6 (MANE Select); coding-DNA position 7491, G replaced by C.
Protein change: p.Ser2497=; no amino-acid change (serine 2497 retained).
Molecular consequence: synonymous variant.
Genome position (GRCh38, 1-based): chr5:112,843,085, G>C. VCF-style: chr5-112843085-G-C. GRCh37 (hg19) VCF-style: chr5-112178782-G-C.
Other names: c.7491G>C, p.Ser2497= (NM_001127510.3, NM_001354895.2); c.7437G>C, p.Ser2479= (NM_001127511.3); c.7545G>C, p.Ser2515= (NM_001354896.2); c.7521G>C, p.Ser2507= (NM_001354897.2); c.7416G>C, p.Ser2472= (NM_001354898.2); c.7407G>C, p.Ser2469= (NM_001354899.2); c.7368G>C, p.Ser2456= (NM_001354900.2); c.7314G>C, p.Ser2438= (NM_001354901.2); and 5 more.
Identifiers: ClinVar variation 470091 (VCV000470091.19), dbSNP rs776327733, ClinGen allele CA446210843.

ClinVar aggregate classification (germline): Benign/Likely benign. Review status: criteria provided, multiple submitters, no conflicts (2 of 4 stars). 5 submissions from 5 submitters: Benign (1); Likely benign (4). Last evaluated 2025-06-02.

Conditions:
Hereditary cancer-predisposing syndrome. Also called: Hereditary neoplastic syndrome; Neoplastic Syndromes, Hereditary; Tumor predisposition; Hereditary Cancer Syndrome. Identifiers: Orphanet 140162, MedGen C0027672, MeSH D009386, MONDO:0015356.
Familial adenomatous polyposis 1 (FAP1). Also called: POLYPOSIS, ADENOMATOUS INTESTINAL; FAMILIAL ADENOMATOUS POLYPOSIS 1, ATTENUATED. Identifiers: MedGen C2713442, MONDO:0021056, OMIM 175100. Disease mechanism: loss of function.
Classic or attenuated familial adenomatous polyposis. Identifiers: MedGen CN372698, MONDO:0021057.

Submissions (5):

Labcorp Genetics (formerly Invitae), Labcorp
Classification: Likely benign for Familial adenomatous polyposis 1. Last evaluated: 2025-06-02. Review status: criteria provided, single submitter. Criteria: Invitae Variant Classification Sherloc (09022015). Collection method: clinical testing. Allele origin: germline.

Myriad Genetics, Inc.
Classification: Benign for Familial adenomatous polyposis 1. Last evaluated: 2024-04-09. Review status: criteria provided, single submitter. Criteria: Myriad Autosomal Dominant, Autosomal Recessive and X-Linked Classification Criteria (2023). Collection method: clinical testing. Allele origin: unknown.
Comment: This variant is considered benign. This variant is a silent/synonymous amino acid change and it is not expected to impact splicing.

All of Us Research Program, National Institutes of Health
Classification: Likely benign for Classic or attenuated familial adenomatous polyposis. Last evaluated: 2023-08-15. Review status: criteria provided, single submitter. Criteria: ACMG Guidelines, 2015. Collection method: clinical testing. Allele origin: germline. Inheritance: Autosomal dominant inheritance. Observed: 1 variant allele, 1 heterozygote.
Comment: This study involves interpretation of variants in research participants for the purpose of population health screening. Participant phenotype was not available at the time of variant classification. Additional details can be found in publication PMID: 35346344, PMCID: PMC8962531

Ambry Genetics
Classification: Likely benign for Hereditary cancer-predisposing syndrome. Last evaluated: 2019-10-29. Review status: criteria provided, single submitter. Criteria: Ambry Variant Classification Scheme 2023. Collection method: clinical testing. Allele origin: germline.

Color Diagnostics, LLC DBA Color Health
Classification: Likely benign for Hereditary cancer-predisposing syndrome. Last evaluated: 2018-11-20. Review status: criteria provided, single submitter. Criteria: ACMG Guidelines, 2015. Collection method: clinical testing. Allele origin: germline.